The following is an entry in ClinVar:

ClinVar aggregate classification (germline): Uncertain significance. Review status: criteria provided, single submitter (1 of 4 stars). 2 submissions from 2 submitters: Uncertain significance (1). 1 of the submissions does not count toward it. Last evaluated 2024-10-07.

Conditions:
KSR2-related disorder. Also called: KSR2-related condition.

Allele frequency attached by ClinVar (database versions not stated): ExAC 0.00001; gnomAD exomes 0.00001; TOPMed 0.00002; gnomAD 0.00003.

Submissions (2):

Labcorp Genetics (formerly Invitae), Labcorp
Classification: Uncertain significance. Last evaluated: 2024-10-07. Review status: criteria provided, single submitter. Criteria: Invitae Variant Classification Sherloc (09022015). Collection method: clinical testing. Allele origin: germline.
Comment: This sequence change replaces arginine, which is basic and polar, with tryptophan, which is neutral and slightly polar, at codon 224 of the KSR2 protein (p.Arg224Trp). This variant is present in population databases (rs760625570, gnomAD 0.006%). This missense change has been observed in individual(s) with obesity (PMID: 24209692). ClinVar contains an entry for this variant (Variation ID: 2137443). An algorithm developed to predict the effect of missense changes on protein structure and function (PolyPhen-2) suggests that this variant is likely to be disruptive. In summary, the available evidence is currently insufficient to determine the role of this variant in disease. Therefore, it has been classified as a Variant of Uncertain Significance.

PreventionGenetics, part of Exact Sciences
Classification: Uncertain significance for KSR2-related condition. Last evaluated: 2024-04-23. Review status: no assertion criteria provided. Collection method: clinical testing. Allele origin: germline. Not counted in ClinVar's aggregate classification.
Comment: The KSR2 c.670C>T variant is predicted to result in the amino acid substitution p.Arg224Trp. To our knowledge, this variant has not been reported in the literature. This variant is reported in 0.0070% of alleles in individuals of European (Non-Finnish) descent in gnomAD. At this time, the clinical significance of this variant is uncertain due to the absence of conclusive functional and genetic evidence.

Literature cited by the submitters: PubMed 24209692 (cited by Labcorp Genetics (formerly Invitae), Labcorp).

NM_173598.6(KSR2):c.757C>T (p.Arg253Trp)

Gene: KSR2 (kinase suppressor of ras 2; minus strand). Cytogenetic location: 12q24.23.
Variant type: single nucleotide variant.
Coding change: c.757C>T on transcript NM_173598.6 (MANE Select); coding-DNA position 757, C replaced by T.
Protein change: p.Arg253Trp; replaces arginine 253 with tryptophan.
Molecular consequence: missense variant.
Genome position (GRCh38, 1-based): chr12:117,761,240, G>A on the plus strand (C>T on the coding strand, the complement: KSR2 is on the minus strand). VCF-style: chr12-117761240-G-A. GRCh37 (hg19) VCF-style: chr12-118199045-G-A.
Other names: c.670C>T (NM_173598.4); short protein forms R253W.
Identifiers: ClinVar variation 2137443 (VCV002137443.5), dbSNP rs760625570, ClinGen allele CA6816261.